The following is an entry in ClinVar:

NM_000038.6(APC):c.59A>C (p.Asn20Thr)

Gene: APC (APC regulator of Wnt signaling pathway; plus strand). Cytogenetic location: 5q22.2.
Variant type: single nucleotide variant.
Coding change: c.59A>C on transcript NM_000038.6 (MANE Select); coding-DNA position 59, A replaced by C.
Protein change: p.Asn20Thr; replaces asparagine 20 with threonine.
Molecular consequence: missense variant. On other transcripts: 5 prime UTR variant (1), intron variant (8).
Genome position (GRCh38, 1-based): chr5:112,754,949, A>C. VCF-style: chr5-112754949-A-C. GRCh37 (hg19) VCF-style: chr5-112090646-A-C.
Other names: c.59A>C (NM_000038.5); c.59A>C, p.Asn20Thr (NM_001127510.3, NM_001354895.2, NM_001354896.2 and 2 more transcripts); c.-977A>C (NM_001354906.2); c.166-11377A>C (NM_001354897.2, NM_001354902.2, NM_001127511.3); c.61-11377A>C (NM_001354898.2, NM_001354904.2); c.-42-11377A>C (NM_001354900.2, NM_001354901.2, NM_001354905.2); short protein forms N20T.
Identifiers: ClinVar variation 1449386 (VCV001449386.10), dbSNP rs2149737923, ClinGen allele CA16021468.

ClinVar aggregate classification (germline): Uncertain significance. Review status: criteria provided, multiple submitters, no conflicts (2 of 4 stars). 3 submissions from 3 submitters: Uncertain significance (3). Last evaluated 2025-08-27.

Conditions:
Familial adenomatous polyposis 1 (FAP1). Also called: FAMILIAL ADENOMATOUS POLYPOSIS 1, ATTENUATED; POLYPOSIS, ADENOMATOUS INTESTINAL. Identifiers: MedGen C2713442, MONDO:0021056, OMIM 175100. Disease mechanism: loss of function.
Hereditary cancer-predisposing syndrome. Also called: Hereditary Cancer Syndrome; Hereditary neoplastic syndrome; Neoplastic Syndromes, Hereditary; Tumor predisposition. Identifiers: Orphanet 140162, MedGen C0027672, MeSH D009386, MONDO:0015356.

gnomAD v4.1: 1 of 1,613,776 alleles (0.000062%); highest among the groups gnomAD compares: Non-Finnish European, 0.000085%; no homozygotes.

Submissions (3):

Labcorp Genetics (formerly Invitae), Labcorp
Classification: Uncertain significance for Familial adenomatous polyposis 1. Last evaluated: 2025-08-27. Review status: criteria provided, single submitter. Criteria: Invitae Variant Classification Sherloc (09022015). Collection method: clinical testing. Allele origin: germline.
Comment: This sequence change replaces asparagine, which is neutral and polar, with threonine, which is neutral and polar, at codon 20 of the APC protein (p.Asn20Thr). This variant is not present in population databases (gnomAD no frequency). This variant has not been reported in the literature in individuals affected with APC-related conditions. ClinVar contains an entry for this variant (Variation ID: 1449386). Invitae Evidence Modeling of protein sequence and biophysical properties (such as structural, functional, and spatial information, amino acid conservation, physicochemical variation, residue mobility, and thermodynamic stability) indicates that this missense variant is not expected to disrupt APC protein function with a negative predictive value of 95%. In summary, the available evidence is currently insufficient to determine the role of this variant in disease. Therefore, it has been classified as a Variant of Uncertain Significance.

Color Diagnostics, LLC DBA Color Health
Classification: Uncertain significance for Hereditary cancer-predisposing syndrome. Last evaluated: 2025-07-28. Review status: criteria provided, single submitter. Criteria: ACMG Guidelines, 2015. Collection method: clinical testing. Allele origin: germline.
Comment: This missense variant replaces asparagine with threonine at codon 20 of the APC protein. Computational prediction suggests that this variant may not impact protein structure and function. To our knowledge, functional studies have not been reported for this variant. This variant has not been reported in individuals affected with APC-related disorders in the literature. This variant has not been identified in the general population by the Genome Aggregation Database (gnomAD). The available evidence is insufficient to determine the role of this variant in disease conclusively. Therefore, this variant is classified as a Variant of Uncertain Significance.

Ambry Genetics
Classification: Uncertain significance for Hereditary cancer-predisposing syndrome. Last evaluated: 2024-09-02. Review status: criteria provided, single submitter. Criteria: Ambry Variant Classification Scheme 2023. Collection method: clinical testing. Allele origin: germline.
Comment: The p.N20T variant (also known as c.59A>C), located in coding exon 1 of the APC gene, results from an A to C substitution at nucleotide position 59. The asparagine at codon 20 is replaced by threonine, an amino acid with similar properties. This amino acid position is conserved. In addition, in silico predictors for this gene do not accurately predict pathogenicity. Based on the available evidence, the clinical significance of this variant remains unclear.